The following is an entry in ClinVar:

ClinVar aggregate classification (germline): Uncertain significance (1 of 4 stars; one submission).

Conditions:
Primary ciliary dyskinesia. Also called: Ciliary dyskinesia. Identifiers: Orphanet 244, MedGen C0008780, MONDO:0016575, HP:0012265.

gnomAD v4.1: 1 of 1,613,698 alleles (0.000062%); no homozygotes.

Submission:

Labcorp Genetics (formerly Invitae), Labcorp
Classification: Uncertain significance for Primary ciliary dyskinesia. Last evaluated: 2022-10-24. Review status: criteria provided, single submitter. Criteria: Invitae Variant Classification Sherloc (09022015). Collection method: clinical testing. Allele origin: germline.
Comment: In summary, the available evidence is currently insufficient to determine the role of this variant in disease. Therefore, it has been classified as a Variant of Uncertain Significance. Advanced modeling of protein sequence and biophysical properties (such as structural, functional, and spatial information, amino acid conservation, physicochemical variation, residue mobility, and thermodynamic stability) performed at Invitae indicates that this missense variant is expected to disrupt DNAH8 protein function. This variant has not been reported in the literature in individuals affected with DNAH8-related conditions. This variant is not present in population databases (gnomAD no frequency). This sequence change replaces glutamine, which is neutral and polar, with proline, which is neutral and non-polar, at codon 3449 of the DNAH8 protein (p.Gln3449Pro).

NM_001206927.2(DNAH8):c.10346A>C (p.Gln3449Pro)

Genes: DNAH8 (dynein axonemal heavy chain 8; plus strand), DNAH8-AS1 (DNAH8 antisense RNA 1; minus strand). Cytogenetic location: 6p21.2.
Variant type: single nucleotide variant.
Coding change: c.10346A>C on transcript NM_001206927.2 (MANE Select); coding-DNA position 10346, A replaced by C.
Protein change: p.Gln3449Pro; replaces glutamine 3449 with proline.
Molecular consequence: missense variant.
Genome position (GRCh38, 1-based): chr6:38,917,962, A>C. VCF-style: chr6-38917962-A-C. GRCh37 (hg19) VCF-style: chr6-38885738-A-C.
Other names: c.9695A>C, p.Gln3232Pro (NM_001371.4); short protein forms Q3449P, Q3232P.
Identifiers: ClinVar variation 2040560 (VCV002040560.4), dbSNP rs2533455376, ClinGen allele CA364008610.